The following is an entry in ClinVar:

ClinVar aggregate classification (germline): Likely pathogenic. Review status: criteria provided, multiple submitters, no conflicts (2 of 4 stars). 6 submissions from 4 submitters: Likely pathogenic (6). Last evaluated 2023-04-11.

Conditions:
TNNT2-related disorder. Also called: TNNT2-related condition.
Hypertrophic cardiomyopathy 2. Also called: TNNT2-Related Familial Hypertrophic Cardiomyopathy. Identifiers: MedGen C1861864, MONDO:0007266, OMIM 115195.
Dilated cardiomyopathy 1D. Identifiers: Orphanet 154, Orphanet 54260, MedGen C1832243, MONDO:0011095, OMIM 601494.
Cardiomyopathy, familial restrictive, 3. Identifiers: Orphanet 75249, MedGen C2676271, MONDO:0012900, OMIM 612422.
Primary dilated cardiomyopathy (DCM). Also called: Dilated Cardiomyopathy. Identifiers: Orphanet 217604, MedGen C0007193, MeSH D002311, MONDO:0005021, HP:0001644. Inheritance: Various modes of inheritance.

Submissions (6):

Genome-Nilou Lab
Classification: Likely pathogenic for Dilated cardiomyopathy 1D. Last evaluated: 2023-04-11. Review status: criteria provided, single submitter. Criteria: ACMG Guidelines, 2015. Collection method: clinical testing. Allele origin: germline. Affected: no.

Genome-Nilou Lab
Classification: Likely pathogenic for Cardiomyopathy, familial restrictive, 3. Last evaluated: 2023-04-11. Review status: criteria provided, single submitter. Criteria: ACMG Guidelines, 2015. Collection method: clinical testing. Allele origin: germline. Affected: no.

Genome-Nilou Lab
Classification: Likely pathogenic for Hypertrophic cardiomyopathy 2. Last evaluated: 2023-04-11. Review status: criteria provided, single submitter. Criteria: ACMG Guidelines, 2015. Collection method: clinical testing. Allele origin: germline. Affected: no.

Labcorp Genetics (formerly Invitae), Labcorp
Classification: Likely pathogenic for Cardiomyopathy, familial restrictive, 3; Hypertrophic cardiomyopathy 2; Dilated cardiomyopathy 1D. Last evaluated: 2023-03-23. Review status: criteria provided, single submitter. Criteria: Invitae Variant Classification Sherloc (09022015). Collection method: clinical testing. Allele origin: germline.
Comment: This variant disrupts the p.Arg131 amino acid residue in TNNT2. Other variant(s) that disrupt this residue have been determined to be pathogenic (PMID: 15542288, 15923195, 17932326, 18506004, 21551322, 22675533, 24119082, 24503780). This suggests that this residue is clinically significant, and that variants that disrupt this residue are likely to be disease-causing. In summary, the currently available evidence indicates that the variant is pathogenic, but additional data are needed to prove that conclusively. Therefore, this variant has been classified as Likely Pathogenic. ClinVar contains an entry for this variant (Variation ID: 43638). This sequence change replaces arginine, which is basic and polar, with proline, which is neutral and non-polar, at codon 131 of the TNNT2 protein (p.Arg131Pro). This variant is not present in population databases (gnomAD no frequency). This missense change has been observed in individual(s) with clinical features of TNNT2-related conditions (Invitae). Advanced modeling of protein sequence and biophysical properties (such as structural, functional, and spatial information, amino acid conservation, physicochemical variation, residue mobility, and thermodynamic stability) performed at Invitae indicates that this missense variant is expected to disrupt TNNT2 protein function.

Blueprint Genetics
Classification: Likely pathogenic for TNNT2-related disorders. Last evaluated: 2022-11-07. Review status: criteria provided, single submitter. Criteria: ACMG Guidelines, 2015. Collection method: clinical testing. Allele origin: germline. Affected: yes. Observed: 2 variant alleles.

Laboratory for Molecular Medicine, Mass General Brigham Personalized Medicine
Classification: Likely pathogenic for Primary dilated cardiomyopathy. Last evaluated: 2012-12-11. Review status: criteria provided, single submitter. Criteria: LMM Criteria. Collection method: clinical testing. Allele origin: germline. Observed: 1 variant allele.
Comment: The Arg131Pro variant in TNNT2 has not been reported in the literature nor previ ously identified by our laboratory. This variant has also not been identified in large and broad European American and African American populations by the NHLBI Exome Sequencing Project; this low frequency is consistent with a disease causing role but insufficient to establish this wi th confidence. Arginine (Arg) at position 131 is highly conserved in mammals and across evolutionarily distant species and the change to Proline (Pro) was predi cted to be pathogenic using a computational tool clinically validated by our lab oratory. This tool's pathogenic prediction is estimated to be correct 94% of the time (Jordan 2011). In addition, two other variants at this position (Arg131Trp , Arg131Gln) have been reported as de novo changes in DCM and LVNC probands, sug gesting that a change to this position may not be tolerated (LMM unpublished dat a, Mogensen 2004, Klaasen 2008). In summary, this variant is likely to be pathog enic, though additional studies are required to fully establish its clinical sig nificance.

Literature cited by the submitters: PubMed 15542288 (cited by Labcorp Genetics (formerly Invitae), Labcorp and Laboratory for Molecular Medicine, Mass General Brigham Personalized Medicine); PubMed 15923195 (cited by Labcorp Genetics (formerly Invitae), Labcorp and Laboratory for Molecular Medicine, Mass General Brigham Personalized Medicine); PubMed 17932326 (cited by Labcorp Genetics (formerly Invitae), Labcorp); PubMed 18506004 (cited by Labcorp Genetics (formerly Invitae), Labcorp and Laboratory for Molecular Medicine, Mass General Brigham Personalized Medicine); PubMed 21551322 (cited by Labcorp Genetics (formerly Invitae), Labcorp); PubMed 22675533 (cited by Labcorp Genetics (formerly Invitae), Labcorp); PubMed 24119082 (cited by Labcorp Genetics (formerly Invitae), Labcorp); PubMed 24503780 (cited by Labcorp Genetics (formerly Invitae), Labcorp).

NM_001276345.2(TNNT2):c.422G>C (p.Arg141Pro)

Gene: TNNT2 (troponin T2, cardiac type; minus strand). Cytogenetic location: 1q32.1.
Variant type: single nucleotide variant.
Coding change: c.422G>C on transcript NM_001276345.2 (MANE Select); coding-DNA position 422, G replaced by C.
Protein change: p.Arg141Pro; replaces arginine 141 with proline.
Molecular consequence: missense variant.
Genome position (GRCh38, 1-based): chr1:201,364,365, C>G on the plus strand (G>C on the coding strand, the complement: TNNT2 is on the minus strand). VCF-style: chr1-201364365-C-G. GRCh37 (hg19) VCF-style: chr1-201333493-C-G.
Other names: c.422G>C, p.Arg141Pro (NM_000364.4); c.392G>C, p.Arg131Pro (NM_001001430.3, NM_001001431.3, NM_001276347.2); c.377G>C, p.Arg126Pro (NM_001001432.3); c.302G>C, p.Arg101Pro (NM_001276346.2); short protein forms R131P, R141P, R126P, R101P.
Identifiers: ClinVar variation 43638 (VCV000043638.15), dbSNP rs397516464, ClinGen allele CA004472.